The following is an entry in ClinVar:

ClinVar aggregate classification (germline): Uncertain significance (1 of 4 stars; one submission).

Submission:

Labcorp Genetics (formerly Invitae), Labcorp
Classification: Uncertain significance. Last evaluated: 2022-08-19. Review status: criteria provided, single submitter. Criteria: Invitae Variant Classification Sherloc (09022015). Collection method: clinical testing. Allele origin: germline.
Comment: In summary, the available evidence is currently insufficient to determine the role of this variant in disease. Therefore, it has been classified as a Variant of Uncertain Significance. Experimental studies and prediction algorithms are not available or were not evaluated, and the functional significance of this variant is currently unknown. This variant has not been reported in the literature in individuals affected with PIGV-related conditions. This variant is not present in population databases (gnomAD no frequency). This sequence change results in a frameshift in the PIGV gene (p.Leu481Thrfs*22). While this is not anticipated to result in nonsense mediated decay, it is expected to disrupt the last 13 amino acid(s) of the PIGV protein and extend the protein by 8 additional amino acid residues.

NM_017837.4(PIGV):c.1439_1440insTACCATTGACCTGTGTGTAAATTTAAATGTCAATTTATTGAAGTGTAAATTTCATCAAAGGCATTAG (p.Leu480_Leu481insThrIleAspLeuCysValAsnLeuAsnValAsnLeuLeuLysCysLysPheHisGlnArgHisTer)

Gene: PIGV (phosphatidylinositol glycan anchor biosynthesis class V; plus strand). Cytogenetic location: 1p36.11.
Variant type: Insertion.
Coding change: c.1439_1440insTACCATTGACCTGTGTGTAAATTTAAATGTCAATTTATTGAAGTGTAAATTTCATCAAAGGCATTAG on transcript NM_017837.4 (MANE Select); coding-DNA positions 1439 to 1440, TACCATTGACCTGTGTGTAAATTTAAATGTCAATTTATTGAAGTGTAAATTTCATCAAAGGCATTAG inserted.
Protein change: p.Leu480_Leu481insThrIleAspLeuCysValAsnLeuAsnValAsnLeuLeuLysCysLysPheHisGlnArgHisTer.
Molecular consequence: nonsense, inframe insertion. On other transcripts: non-coding transcript variant (2).
Genome position: GRCh38: chr1:26,797,801-26,797,802. GRCh37 (hg19): chr1:27,124,292-27,124,293.
Other names: c.1439_1440insTACCATTGACCTGTGTGTAAATTTAAATGTCAATTTATTGAAGTGTAAATTTCATCAAAGGCATTAG, p.Leu480_Leu481insThrIleAspLeuCysValAsnLeuAsnValAsnLeuLeuLysCysLysPheHisGlnArgHisTer (NM_001202554.2, NM_001374478.1, NM_001374480.1 and 2 more transcripts); c.1058_1059insTACCATTGACCTGTGTGTAAATTTAAATGTCAATTTATTGAAGTGTAAATTTCATCAAAGGCATTAG, p.Leu353_Leu354insThrIleAspLeuCysValAsnLeuAsnValAsnLeuLeuLysCysLysPheHisGlnArgHisTer (NM_001374483.1); c.812_813insTACCATTGACCTGTGTGTAAATTTAAATGTCAATTTATTGAAGTGTAAATTTCATCAAAGGCATTAG, p.Leu271_Leu272insThrIleAspLeuCysValAsnLeuAsnValAsnLeuLeuLysCysLysPheHisGlnArgHisTer (NM_001374484.1, NM_001374485.1); c.317_318insTACCATTGACCTGTGTGTAAATTTAAATGTCAATTTATTGAAGTGTAAATTTCATCAAAGGCATTAG, p.Leu106_Leu107insThrIleAspLeuCysValAsnLeuAsnValAsnLeuLeuLysCysLysPheHisGlnArgHisTer (NM_001374486.1).
Identifiers: ClinVar variation 1902410 (VCV001902410.3), dbSNP rs1220525608, ClinGen allele CA2580062643.